The following is an entry in ClinVar:

NM_001184880.2(PCDH19):c.1412A>G (p.Tyr471Cys)

Gene: PCDH19 (protocadherin 19; minus strand). Cytogenetic location: Xq22.1.
Variant type: single nucleotide variant.
Coding change: c.1412A>G on transcript NM_001184880.2 (MANE Select); coding-DNA position 1412, A replaced by G.
Protein change: p.Tyr471Cys; replaces tyrosine 471 with cysteine.
Molecular consequence: missense variant.
Genome position (GRCh38, 1-based): chrX:100,407,186, T>C on the plus strand (A>G on the coding strand, the complement: PCDH19 is on the minus strand). VCF-style: chrX-100407186-T-C. GRCh37 (hg19) VCF-style: chrX-99662184-T-C.
Other names: c.1412A>G, p.Tyr471Cys (NM_001105243.2, NM_020766.3); short protein forms Y471C.
Identifiers: ClinVar variation 2852648 (VCV002852648.3), dbSNP rs2520982563, ClinGen allele CA414002776.

ClinVar aggregate classification (germline): Uncertain significance (1 of 4 stars; one submission).

Conditions:
Developmental and epileptic encephalopathy, 9 (DEE9). Also called: Early infantile epileptic encephalopathy 9; JUBERG-HELLMAN SYNDROME; PCDH19-Related X-Linked Female-Limited Epilepsy with Mental Retardation; EPILEPSY, FEMALE-RESTRICTED, WITH MENTAL RETARDATION. Identifiers: Orphanet 101039, Orphanet 2076, MedGen C1848137, MONDO:0010246, OMIM 300088. Disease mechanism: loss of function.

Submission:

Labcorp Genetics (formerly Invitae), Labcorp
Classification: Uncertain significance for Developmental and epileptic encephalopathy, 9. Last evaluated: 2024-05-15. Review status: criteria provided, single submitter. Criteria: Invitae Variant Classification Sherloc (09022015). Collection method: clinical testing. Allele origin: germline.
Comment: This sequence change replaces tyrosine, which is neutral and polar, with cysteine, which is neutral and slightly polar, at codon 471 of the PCDH19 protein (p.Tyr471Cys). This variant is not present in population databases (gnomAD no frequency). This variant has not been reported in the literature in individuals affected with PCDH19-related conditions. Advanced modeling of protein sequence and biophysical properties (such as structural, functional, and spatial information, amino acid conservation, physicochemical variation, residue mobility, and thermodynamic stability) has been performed at Invitae for this missense variant, however the output from this modeling did not meet the statistical confidence thresholds required to predict the impact of this variant on PCDH19 protein function. In summary, the available evidence is currently insufficient to determine the role of this variant in disease. Therefore, it has been classified as a Variant of Uncertain Significance.